The following is an entry in ClinVar:

ClinVar aggregate classification (germline): Likely pathogenic (1 of 4 stars; one submission).

Conditions:
Neuronal ceroid lipofuscinosis. Also called: Neuronal Ceroid Lipofuscinoses. Identifiers: Orphanet 216, Orphanet 79263, MedGen C0027877, MONDO:0016295. Disease mechanism: loss of function.

gnomAD v4.1: 1 of 1,609,478 alleles (0.000062%); highest among the groups gnomAD compares: South Asian, 0.0011%; no homozygotes.

Submission:

Natera, Inc.
Classification: Likely pathogenic for Neuronal ceroid lipofuscinosis. Last evaluated: 2025-08-01. Review status: criteria provided, single submitter. Criteria: Natera Variant Classification Schema (03/2026). Collection method: clinical testing. Allele origin: germline.
Comment: The c.712+1G>C variant in CLN5 is a canonical splice donor site variant predicted to affect pre-mRNA splicing, which may result in an abnormal transcript and altered protein product. This variant is expected to result in nonsense mediated decay, truncation, or a dysfunctional protein product. This variant is rare in the general population with a frequency below the threshold expected for the associated phenotype(s). Given the available evidence, this variant is classified as Likely Pathogenic.

NM_006493.4(CLN5):c.565+1G>C

Gene: CLN5 (CLN5 lysosomal BMP synthase; plus strand). Cytogenetic location: 13q22.3.
Variant type: single nucleotide variant.
Coding change: c.565+1G>C on transcript NM_006493.4 (MANE Select); the canonical splice donor site of the intron after coding-DNA position 565, G replaced by C.
Molecular consequence: splice donor variant.
Genome position (GRCh38, 1-based): chr13:76,996,128, G>C. VCF-style: chr13-76996128-G-C. GRCh37 (hg19) VCF-style: chr13-77570263-G-C.
Other names: c.565+1G>C (NM_001366624.2).
Identifiers: ClinVar variation 4815515 (VCV004815515.1).
Genomic context (GRCh38, chr13:76,996,128, plus strand): 5'-GAATTGATGATGTTCACTGGAAGGAAAATGGGACATTAGTTCAAGTAGCAACTATATCAG[G>C]TAAGTTGTGAAAATATAGCAATATTTGATCATTGCATCAAAAACCAAATGAAAGAAATTG-3'